The following is an entry in ClinVar:

ClinVar aggregate classification (germline): Conflicting classifications of pathogenicity. Review status: criteria provided, conflicting classifications (1 of 4 stars). 3 submissions from 3 submitters: Uncertain significance (1); Likely benign (2). Last evaluated 2021-09-15.

Conditions:
Nemaline myopathy 2 (NEM2). Also called: Nemaline myopathy 2, autosomal recessive. Identifiers: MedGen C1850569, MONDO:0009725, OMIM 256030.

Submissions (3):

Labcorp Genetics (formerly Invitae), Labcorp
Classification: Uncertain significance for Nemaline myopathy 2. Last evaluated: 2021-09-15. Review status: criteria provided, single submitter. Criteria: Invitae Variant Classification Sherloc (09022015). Collection method: clinical testing. Allele origin: germline.
Comment: This sequence change replaces glutamine with histidine at codon 4560 of the NEB protein (p.Gln4560His). The glutamine residue is weakly conserved and there is a small physicochemical difference between glutamine and histidine. This variant occurs in a region of NEB (Exons 82-105) consisting of three highly homologous 8-exon repeat units (exons 82-89, exons 90-97, exons 98-105). Sequence variants in this region can be detected, but this assay cannot determine which of the three repeat units is affected, and zygosity is often ambiguous. All variants in this region are reported relative to the exon 82-89 repeat. This variant is not present in the population databases and has not been reported in the literature in individuals with NEB-related disease. However, it occurs in the triplicated region of NEB and the frequency data is considered unreliable. Algorithms developed to predict the effect of missense changes on protein structure and function are not able to calculate the potential effect of amino acid changes in this region. In summary, this variant is a novel missense change with an uncertain impact on protein function. Missense variants in the NEB gene are typically not pathogenic, and there is no indication that this variant causes disease. However, the available evidence is currently insufficient to prove that conclusively. Therefore, it has been classified as a Variant of Uncertain Significance.

GeneDx
Classification: Likely benign. Last evaluated: 2021-04-14. Review status: criteria provided, single submitter. Criteria: GeneDx Variant Classification Process June 2021. Collection method: clinical testing. Allele origin: germline. Affected: yes.

PreventionGenetics, part of Exact Sciences
Classification: Likely benign. Review status: criteria provided, single submitter. Criteria: ACMG Guidelines, 2015. Collection method: clinical testing. Allele origin: germline.

NM_001164508.2(NEB):c.13680G>C (p.Gln4560His)

Gene: NEB (nebulin; minus strand). Cytogenetic location: 2q23.3.
Variant type: single nucleotide variant.
Coding change: c.13680G>C on transcript NM_001164508.2 (MANE Select); coding-DNA position 13680, G replaced by C.
Protein change: p.Gln4560His; replaces glutamine 4560 with histidine.
Molecular consequence: missense variant. On other transcripts: intron variant (1).
Genome position (GRCh38, 1-based): chr2:151,600,550, C>G on the plus strand (G>C on the coding strand, the complement: NEB is on the minus strand). VCF-style: chr2-151600550-C-G. GRCh37 (hg19) VCF-style: chr2-152457064-C-G.
Other names: c.13680G>C, p.Gln4560His (NM_001164507.2, NM_001271208.2); c.11601+9259G>C (NM_004543.5); short protein forms Q4560H.
Identifiers: ClinVar variation 257739 (VCV000257739.8), dbSNP rs886038439, ClinGen allele CA10586768.